The following is an entry in ClinVar:

ClinVar aggregate classification (germline): Uncertain significance (1 of 4 stars; one submission).

Submission:

GeneDx
Classification: Uncertain significance. Last evaluated: 2023-05-12. Review status: criteria provided, single submitter. Criteria: GeneDx Variant Classification Process June 2021. Collection method: clinical testing. Allele origin: germline. Affected: yes.
Comment: Not observed at significant frequency in large population cohorts (gnomAD); In silico analysis supports that this missense variant does not alter protein structure/function; Has not been previously published as pathogenic or benign to our knowledge

NM_001363711.2(DUOX2):c.3787G>A (p.Val1263Met)

Gene: DUOX2 (dual oxidase 2; minus strand). Cytogenetic location: 15q21.1.
Variant type: single nucleotide variant.
Coding change: c.3787G>A on transcript NM_001363711.2 (MANE Select); coding-DNA position 3787, G replaced by A.
Protein change: p.Val1263Met; replaces valine 1263 with methionine.
Molecular consequence: missense variant.
Genome position (GRCh38, 1-based): chr15:45,097,298, C>T on the plus strand (G>A on the coding strand, the complement: DUOX2 is on the minus strand). VCF-style: chr15-45097298-C-T. GRCh37 (hg19) VCF-style: chr15-45389496-C-T.
Other names: c.3787G>A, p.Val1263Met (NM_014080.5); short protein forms V1263M.
Identifiers: ClinVar variation 2662259 (VCV002662259.1), dbSNP rs777339657, ClinGen allele CA392254836.